The following is an entry in ClinVar:

NM_001267550.2(TTN):c.62995T>G (p.Phe20999Val)

Genes: TTN (titin; minus strand), TTN-AS1 (TTN antisense RNA 1; plus strand). Cytogenetic location: 2q31.2.
Variant type: single nucleotide variant.
Coding change: c.62995T>G on transcript NM_001267550.2 (MANE Select); coding-DNA position 62995, T replaced by G.
Protein change: p.Phe20999Val; replaces phenylalanine 20999 with valine.
Molecular consequence: missense variant.
Genome position (GRCh38, 1-based): chr2:178,588,730, A>C on the plus strand (T>G on the coding strand, the complement: TTN is on the minus strand). VCF-style: chr2-178588730-A-C. GRCh37 (hg19) VCF-style: chr2-179453457-A-C.
Other names: p.F19358V:TTT>GTT; c.58072T>G, p.Phe19358Val (NM_001256850.1); c.35800T>G, p.Phe11934Val (NM_003319.4); c.55291T>G, p.Phe18431Val (NM_133378.4); c.36175T>G, p.Phe12059Val (NM_133432.3); c.36376T>G, p.Phe12126Val (NM_133437.4); short protein forms F19358V, F20999V, F18431V, F12059V, F12126V, F11934V.
Identifiers: ClinVar variation 202766 (VCV000202766.14), dbSNP rs568886353, ClinGen allele CA310218.

ClinVar aggregate classification (germline): Conflicting classifications of pathogenicity. Review status: criteria provided, conflicting classifications (1 of 4 stars). 11 submissions from 7 submitters: Uncertain significance (7); Benign (2); Likely benign (2). Last evaluated 2026-09-24.

Conditions:
TTN-related disorder. Also called: TTN-related condition; TTN-related disease; TTN-related disorders.
Cardiovascular phenotype. Identifiers: MedGen CN230736.
Tibial muscular dystrophy (TMD). Also called: Tibial muscular dystrophy, tardive; Udd Distal Myopathy – Tibial Muscular Dystrophy; UDD MYOPATHY. Identifiers: Orphanet 609, MedGen C1838244, MONDO:0010870, OMIM 600334.
Dilated cardiomyopathy 1G (CMD1G). Identifiers: Orphanet 154, MedGen C1858763, MONDO:0011400, OMIM 604145.
Early-onset myopathy with fatal cardiomyopathy (CMYO5). Also called: Salih Myopathy; CONGENITAL MYOPATHY 5 WITH CARDIOMYOPATHY. Identifiers: Orphanet 289377, MedGen C2673677, MONDO:0012714, OMIM 611705. Disease mechanism: loss of function.
Myopathy, myofibrillar, 9, with early respiratory failure (MFM9). Also called: Myopathy, distal, with early respiratory failure, autosomal dominant; MYOPATHY, PROXIMAL, WITH EARLY RESPIRATORY MUSCLE INVOLVEMENT; Hereditary myopathy with early respiratory failure; EDSTROM MYOPATHY. Identifiers: Orphanet 178464, Orphanet 34521, MedGen C1863599, MONDO:0011362, OMIM 603689.
Autosomal recessive limb-girdle muscular dystrophy type 2J (LGMDR10). Also called: Limb-girdle muscular dystrophy, type 2J; MUSCULAR DYSTROPHY, LIMB-GIRDLE, AUTOSOMAL RECESSIVE 10. Identifiers: Orphanet 140922, MedGen C1837342, MONDO:0012127, OMIM 608807.
Hypertrophic cardiomyopathy. Also called: HYPERTROPHIC MYOCARDIOPATHY. Identifiers: Orphanet 217569, MedGen C0007194, MeSH D002312, MONDO:0005045, HP:0001639.

Allele frequency attached by ClinVar (database versions not stated): ExAC 0.00002; gnomAD 0.00002 and 0.00003; gnomAD exomes 0.00002; TOPMed 0.00003; 1000 Genomes Project 30x 0.00016; 1000 Genomes Project 0.00020.
gnomAD v4.1: 24 of 1,613,222 alleles (0.0015%); highest among the groups gnomAD compares: East Asian, 0.031%; no homozygotes.

Submissions (11):

PreventionGenetics, part of Exact Sciences
Classification: Uncertain significance for TTN-related condition. Last evaluated: 2026-09-24. Review status: criteria provided, single submitter. Criteria: ACMG Guidelines, 2015. Collection method: clinical testing. Allele origin: germline.
Comment: The TTN c.62995T>G variant is predicted to result in the amino acid substitution p.Phe20999Val. This variant has been reported in individuals with dilated or hypertrophic cardiomyopathy (Table S3, Mazzarotto et al. 2020. PubMed ID: 31983221; Table S2a, Al-Shafai et al. 2021. PubMed ID: 34137518). This variant is reported in 0.036% of alleles in individuals of East Asian descent in gnomAD. At this time, the clinical significance of this variant is uncertain due to the absence of conclusive functional and genetic evidence.

Women's Health and Genetics/Laboratory Corporation of America, LabCorp
Classification: Uncertain significance. Last evaluated: 2025-02-28. Review status: criteria provided, single submitter. Criteria: LabCorp Variant Classification Summary - May 2015. Collection method: clinical testing. Allele origin: germline.
Comment: Variant summary: TTN NM_133378: c.55291T>G (p.Phe18431Val) (also known as NM_001267550: c.62995T>G (p.Phe20999Val)) results in a non-conservative amino acid change located in the A-band region of the encoded protein sequence. Four of five in-silico tools predict a benign effect of the variant on protein function. The variant allele was found at a frequency of 2.4e-05 in 248572 control chromosomes. The available data on variant occurrences in the general population are insufficient to allow any conclusion about variant significance. c.55291T>G has been reported in the literature in individuals affected with Cardiomyopathy (e.g., Al-Shafai_2021, Mazzarotto_2020). These reports do not provide unequivocal conclusions about association of the variant with Dilated Cardiomyopathy. To our knowledge, no experimental evidence demonstrating an impact on protein function has been reported. ClinVar contains an entry for this variant (Variation ID: 202766). Based on the evidence outlined above, the variant was classified as uncertain significance.

Revvity Omics, Revvity
Classification: Uncertain significance. Last evaluated: 2024-06-27. Review status: criteria provided, single submitter. Criteria: ACMG Guidelines, 2015. Collection method: clinical testing. Allele origin: germline.

GeneDx
Classification: Likely benign. Last evaluated: 2019-12-30. Review status: criteria provided, single submitter. Criteria: GeneDx Variant Classification Process June 2021. Collection method: clinical testing. Allele origin: germline. Affected: yes.
Comment: This variant is associated with the following publications: (PMID: 31983221)

Ambry Genetics
Classification: Uncertain significance for Cardiovascular phenotype. Last evaluated: 2019-08-16. Review status: criteria provided, single submitter. Criteria: Ambry Variant Classification Scheme 2023. Collection method: clinical testing. Allele origin: germline.
Comment: The p.F11934V variant (also known as c.35800T>G), located in coding exon 131 of the TTN gene, results from a T to G substitution at nucleotide position 35800. The phenylalanine at codon 11934 is replaced by valine, an amino acid with highly similar properties. This amino acid position is poorly conserved in available vertebrate species. In addition, this alteration is predicted to be tolerated by in silico analysis. Since supporting evidence is limited at this time, the clinical significance of this alteration remains unclear.

Illumina Laboratory Services, Illumina
Classification: Benign for Tibial muscular dystrophy. Last evaluated: 2018-01-13. Review status: criteria provided, single submitter. Criteria: ICSL Variant Classification Criteria 13 December 2019. Collection method: clinical testing. Allele origin: germline.
Comment: This variant was observed in the ICSL laboratory as part of a predisposition screen in an ostensibly healthy population. It had not been previously curated by ICSL or reported in the Human Gene Mutation Database (HGMD: prior to June 1st, 2018), and was therefore a candidate for classification through an automated scoring system. Utilizing variant allele frequency, disease prevalence and penetrance estimates, and inheritance mode, an automated score was calculated to assess if this variant is too frequent to cause the disease. Based on the score and internal cut-off values, a variant classified as benign is not then subjected to further curation. The score for this variant resulted in a classification of benign for this disease.

Illumina Laboratory Services, Illumina
Classification: Uncertain significance for Early-onset myopathy with fatal cardiomyopathy. Last evaluated: 2018-01-13. Review status: criteria provided, single submitter. Criteria: ICSL Variant Classification Criteria 13 December 2019. Collection method: clinical testing. Allele origin: germline.

Illumina Laboratory Services, Illumina
Classification: Uncertain significance for Autosomal recessive limb-girdle muscular dystrophy type 2J. Last evaluated: 2018-01-13. Review status: criteria provided, single submitter. Criteria: ICSL Variant Classification Criteria 13 December 2019. Collection method: clinical testing. Allele origin: germline.

Illumina Laboratory Services, Illumina
Classification: Benign for Myopathy, myofibrillar, 9, with early respiratory failure. Last evaluated: 2018-01-13. Review status: criteria provided, single submitter. Criteria: ICSL Variant Classification Criteria 13 December 2019. Collection method: clinical testing. Allele origin: germline.
Comment: the same text as in the submission from Illumina Laboratory Services, Illumina above.

Illumina Laboratory Services, Illumina
Classification: Uncertain significance for Dilated cardiomyopathy 1G. Last evaluated: 2018-01-13. Review status: criteria provided, single submitter. Criteria: ICSL Variant Classification Criteria 13 December 2019. Collection method: clinical testing. Allele origin: germline.

Genetics and Genomics Program, Sidra Medicine
Classification: Likely benign for Hypertrophic cardiomyopathy. Review status: criteria provided, single submitter. Criteria: ACMG Guidelines, 2015. Collection method: research. Allele origin: unknown. Affected: yes. Observed: 1 variant allele.

Literature cited by the submitters: PubMed 31983221 (cited by Women's Health and Genetics/Laboratory Corporation of America, LabCorp); PubMed 34137518 (cited by Women's Health and Genetics/Laboratory Corporation of America, LabCorp).